The following is an entry in ClinVar:

NM_002972.4(SBF1):c.53G>C (p.Arg18Pro)

Gene: SBF1 (SET binding factor 1; minus strand). Cytogenetic location: 22q13.33.
Variant type: single nucleotide variant.
Coding change: c.53G>C on transcript NM_002972.4 (MANE Select); coding-DNA position 53, G replaced by C.
Protein change: p.Arg18Pro; replaces arginine 18 with proline.
Molecular consequence: missense variant.
Genome position (GRCh38, 1-based): chr22:50,474,788, C>G on the plus strand (G>C on the coding strand, the complement: SBF1 is on the minus strand). VCF-style: chr22-50474788-C-G. GRCh37 (hg19) VCF-style: chr22-50913217-C-G.
Other names: c.53G>C, p.Arg18Pro (NM_001365819.1); short protein forms R18P.
Identifiers: ClinVar variation 1162899 (VCV001162899.8), dbSNP rs1003479968, ClinGen allele CA325540536.

ClinVar aggregate classification (germline): Uncertain significance. Review status: criteria provided, multiple submitters, no conflicts (2 of 4 stars). 3 submissions from 3 submitters: Uncertain significance (3). Last evaluated 2023-02-15.

Allele frequency attached by ClinVar (database versions not stated): gnomAD exomes 0.00004 and 0.00005; TOPMed 0.00006; gnomAD 0.00013 and 0.00014.
gnomAD v4.1: 68 of 1,462,354 alleles (0.0047%); highest among the groups gnomAD compares: Non-Finnish European, 0.0058%; no homozygotes.

Submissions (3):

Blueprint Genetics
Classification: Uncertain significance. Last evaluated: 2023-02-15. Review status: criteria provided, single submitter. Criteria: ACMG Guidelines, 2015. Collection method: clinical testing. Allele origin: germline.

Labcorp Genetics (formerly Invitae), Labcorp
Classification: Uncertain significance. Last evaluated: 2022-08-16. Review status: criteria provided, single submitter. Criteria: Invitae Variant Classification Sherloc (09022015). Collection method: clinical testing. Allele origin: germline.
Comment: This sequence change replaces arginine, which is basic and polar, with proline, which is neutral and non-polar, at codon 18 of the SBF1 protein (p.Arg18Pro). The frequency data for this variant in the population databases is considered unreliable, as metrics indicate poor data quality at this position in the gnomAD database. This variant has not been reported in the literature in individuals affected with SBF1-related conditions. ClinVar contains an entry for this variant (Variation ID: 1162899). Algorithms developed to predict the effect of missense changes on protein structure and function (SIFT, PolyPhen-2, Align-GVGD) all suggest that this variant is likely to be tolerated. In summary, the available evidence is currently insufficient to determine the role of this variant in disease. Therefore, it has been classified as a Variant of Uncertain Significance.

Mayo Clinic Laboratories, Mayo Clinic
Classification: Uncertain significance. Last evaluated: 2019-08-11. Review status: criteria provided, single submitter. Criteria: ACMG Guidelines, 2015. Collection method: clinical testing. Allele origin: germline. Observed: 1 variant allele.